The following is an entry in ClinVar:

NM_000128.4(F11):c.485G>A (p.Arg162His)

Gene: F11 (coagulation factor XI; plus strand). Cytogenetic location: 4q35.2.
Variant type: single nucleotide variant.
Coding change: c.485G>A on transcript NM_000128.4 (MANE Select); coding-DNA position 485, G replaced by A.
Protein change: p.Arg162His; replaces arginine 162 with histidine.
Molecular consequence: missense variant.
Genome position (GRCh38, 1-based): chr4:186,274,275, G>A. VCF-style: chr4-186274275-G-A. GRCh37 (hg19) VCF-style: chr4-187195429-G-A.
Other names: p.Arg162His; c.485G>A, p.Arg162Gln (NM_001354804.2); short protein forms R162H, R162Q.
Identifiers: ClinVar variation 3379573 (VCV003379573.1).

ClinVar aggregate classification (germline): Uncertain significance (1 of 4 stars; one submission).

Submission:

Mayo Clinic Laboratories, Mayo Clinic
Classification: Uncertain significance. Last evaluated: 2024-02-01. Review status: criteria provided, single submitter. Criteria: ACMG Guidelines, 2015. Collection method: clinical testing. Allele origin: germline. Observed: 1 variant allele.
Comment: PM1, PM2_moderate

Literature cited by the submitters: PubMed 19652879; PubMed 29138690.